The following is an entry in ClinVar:

ClinVar aggregate classification (germline): Uncertain significance (1 of 4 stars; one submission).

Conditions:
Primary ciliary dyskinesia. Also called: Ciliary dyskinesia. Identifiers: Orphanet 244, MedGen C0008780, MONDO:0016575, HP:0012265.

Submission:

Labcorp Genetics (formerly Invitae), Labcorp
Classification: Uncertain significance for Primary ciliary dyskinesia. Last evaluated: 2022-05-21. Review status: criteria provided, single submitter. Criteria: Invitae Variant Classification Sherloc (09022015). Collection method: clinical testing. Allele origin: germline.
Comment: This variant is not present in population databases (gnomAD no frequency). In summary, the available evidence is currently insufficient to determine the role of this variant in disease. Therefore, it has been classified as a Variant of Uncertain Significance. Algorithms developed to predict the effect of missense changes on protein structure and function are either unavailable or do not agree on the potential impact of this missense change (SIFT: "Deleterious"; PolyPhen-2: "Not Available"; Align-GVGD: "Class C0"). This variant has not been reported in the literature in individuals affected with DNAH8-related conditions. This sequence change replaces aspartic acid, which is acidic and polar, with tyrosine, which is neutral and polar, at codon 1459 of the DNAH8 protein (p.Asp1459Tyr).

NM_001206927.2(DNAH8):c.4375G>T (p.Asp1459Tyr)

Gene: DNAH8 (dynein axonemal heavy chain 8; plus strand). Cytogenetic location: 6p21.2.
Variant type: single nucleotide variant.
Coding change: c.4375G>T on transcript NM_001206927.2 (MANE Select); coding-DNA position 4375, G replaced by T.
Protein change: p.Asp1459Tyr; replaces aspartic acid 1459 with tyrosine.
Molecular consequence: missense variant.
Genome position (GRCh38, 1-based): chr6:38,837,951, G>T. VCF-style: chr6-38837951-G-T. GRCh37 (hg19) VCF-style: chr6-38805727-G-T.
Other names: c.3724G>T, p.Asp1242Tyr (NM_001371.4); short protein forms D1242Y, D1459Y.
Identifiers: ClinVar variation 1997433 (VCV001997433.4), dbSNP rs151175737, ClinGen allele CA364001005.